The following is an entry in ClinVar:

NM_133433.4(NIPBL):c.3668A>G (p.Asp1223Gly)

Gene: NIPBL (NIPBL cohesin loading factor; plus strand). Cytogenetic location: 5p13.2.
Variant type: single nucleotide variant.
Coding change: c.3668A>G on transcript NM_133433.4 (MANE Select); coding-DNA position 3668, A replaced by G.
Protein change: p.Asp1223Gly; replaces aspartic acid 1223 with glycine.
Molecular consequence: missense variant.
Genome position (GRCh38, 1-based): chr5:37,002,665, A>G. VCF-style: chr5-37002665-A-G. GRCh37 (hg19) VCF-style: chr5-37002767-A-G.
Other names: c.3668A>G, p.Asp1223Gly (NM_015384.5); short protein forms D1223G.
Identifiers: ClinVar variation 930537 (VCV000930537.3), dbSNP rs775247210, ClinGen allele CA3236407.
Genomic context (GRCh38, chr5:37,002,665, plus strand): 5'-TTTGAACTATTTTATTTACCTAAACTTTGTTTGTGTTTGTTTGGCTTGATTTTGCAGGTG[A>G]TGATGATGAAATTCCTCAGGAACTGCTCTTAGGAAAACATCAGCTTAATGAACTTGGCAG-3'
Protein context (NP_597677.2, residues 1213-1233): LEDMDFTAFG[Asp1223Gly]DDEIPQELLL

ClinVar aggregate classification (germline): Uncertain significance (1 of 4 stars; one submission).

Conditions:
Cornelia de Lange syndrome 1 (CDLS1). Also called: TYPUS DEGENERATIVUS AMSTELODAMENSIS; Brachmann de Lange syndrome; NIPBL-Related Cornelia de Lange Syndrome. Identifiers: Orphanet 199, MedGen C4551851, MONDO:0007387, OMIM 122470.

Allele frequency attached by ClinVar (database versions not stated): gnomAD exomes below 0.00001 and 0.00001; gnomAD 0.00001; TOPMed 0.00001; ExAC 0.00002.
gnomAD v4.1: 4 of 1,595,978 alleles (0.00025%); highest among the groups gnomAD compares: Non-Finnish European, 0.00034%; no homozygotes.

Submission:

Centre for Mendelian Genomics, University Medical Centre Ljubljana
Classification: Uncertain significance for Cornelia de Lange syndrome 1. Last evaluated: 2019-06-26. Review status: criteria provided, single submitter. Criteria: ACMG Guidelines, 2015. Collection method: clinical testing. Allele origin: unknown. Affected: yes.
Comment: This variant was classified as: Uncertain significance. The available evidence on this variant's pathogenicity is insufficient or conflicting. The following ACMG criteria were applied in classifying this variant: PP3.